The following is an entry in ClinVar:

NM_004667.6(HERC2):c.7745C>T (p.Ala2582Val)

Gene: HERC2 (HECT and RLD domain containing E3 ubiquitin protein ligase 2; minus strand). Cytogenetic location: 15q13.1.
Variant type: single nucleotide variant.
Coding change: c.7745C>T on transcript NM_004667.6 (MANE Select); coding-DNA position 7745, C replaced by T.
Protein change: p.Ala2582Val; replaces alanine 2582 with valine.
Molecular consequence: missense variant.
Genome position (GRCh38, 1-based): chr15:28,198,741, G>A on the plus strand (C>T on the coding strand, the complement: HERC2 is on the minus strand). VCF-style: chr15-28198741-G-A. GRCh37 (hg19) VCF-style: chr15-28443887-G-A.
Other names: short protein forms A2582V.
Identifiers: ClinVar variation 2671959 (VCV002671959.2), dbSNP rs754091977, ClinGen allele CA7441667.

ClinVar aggregate classification (germline): Uncertain significance. Review status: criteria provided, multiple submitters, no conflicts (2 of 4 stars). 2 submissions from 2 submitters: Uncertain significance (2). Last evaluated 2024-03-15.

Conditions:
Developmental delay with autism spectrum disorder and gait instability (MRT38). Also called: Intellectual developmental disorder, autosomal recessive 38. Identifiers: Orphanet 329195, MedGen C3809753, MONDO:0014224, OMIM 615516.

Allele frequency attached by ClinVar (database versions not stated): ExAC 0.00001; gnomAD 0.00001; gnomAD exomes 0.00001; TOPMed 0.00004.
gnomAD v4.1: 16 of 1,613,310 alleles (0.00099%); highest among the groups gnomAD compares: Admixed American, 0.01%; no homozygotes.

Submissions (2):

GeneDx
Classification: Uncertain significance. Last evaluated: 2024-03-15. Review status: criteria provided, single submitter. Criteria: GeneDx Variant Classification Process June 2021. Collection method: clinical testing. Allele origin: germline. Affected: yes.
Comment: In silico analysis supports that this missense variant does not alter protein structure/function; Has not been previously published as pathogenic or benign to our knowledge

Baylor Genetics
Classification: Uncertain significance for Developmental delay with autism spectrum disorder and gait instability. Last evaluated: 2023-09-14. Review status: criteria provided, single submitter. Criteria: ACMG Guidelines, 2015. Collection method: clinical testing. Allele origin: unknown.